The following is an entry in ClinVar:

ClinVar aggregate classification (germline): Likely pathogenic (1 of 4 stars; one submission).

Conditions:
Osteogenesis imperfecta with normal sclerae, dominant form (OI4). Also called: OSTEOGENESIS IMPERFECTA, TYPE IV, WITH DENTINOGENESIS IMPERFECTA; Osteogenesis imperfecta type 4; OSTEOGENESIS IMPERFECTA WITH NORMAL SCLERAE; Osteogenesis Imperfecta Type IV; Common Variable Osteogenesis Imperfecta with Normal Sclerae. Identifiers: Orphanet 216820, Orphanet 666, MedGen C0268363, MONDO:0008148, OMIM 166220.

Submission:

Centre for Mendelian Genomics, University Medical Centre Ljubljana
Classification: Likely pathogenic for Osteogenesis imperfecta with normal sclerae, dominant form. Last evaluated: 2020-03-18. Review status: criteria provided, single submitter. Criteria: ACMG Guidelines, 2015. Collection method: clinical testing. Allele origin: unknown. Affected: yes.
Comment: This variant was classified as: Likely pathogenic. The following ACMG criteria were applied in classifying this variant: PM1,PM2,PP2,PP3.

NM_000089.4(COL1A2):c.2629G>A (p.Gly877Ser)

Gene: COL1A2 (collagen type I alpha 2 chain; plus strand). Cytogenetic location: 7q21.3.
Variant type: single nucleotide variant.
Coding change: c.2629G>A on transcript NM_000089.4 (MANE Select); coding-DNA position 2629, G replaced by A.
Protein change: p.Gly877Ser; replaces glycine 877 with serine.
Molecular consequence: missense variant.
Genome position (GRCh38, 1-based): chr7:94,424,399, G>A. VCF-style: chr7-94424399-G-A. GRCh37 (hg19) VCF-style: chr7-94053711-G-A.
Other names: short protein forms G877S.
Identifiers: ClinVar variation 930288 (VCV000930288.3), dbSNP rs72658201, ClinGen allele CA368224299.